The following is an entry in ClinVar:

NM_001365536.1(SCN9A):c.5137C>T (p.Pro1713Ser)

Genes: SCN1A-AS1 (SCN1A and SCN9A antisense RNA 1; plus strand), SCN9A (sodium voltage-gated channel alpha subunit 9; minus strand). Cytogenetic location: 2q24.3.
Variant type: single nucleotide variant.
Coding change: c.5137C>T on transcript NM_001365536.1 (MANE Select); coding-DNA position 5137, C replaced by T.
Protein change: p.Pro1713Ser; replaces proline 1713 with serine.
Molecular consequence: missense variant.
Genome position (GRCh38, 1-based): chr2:166,199,502, G>A on the plus strand (C>T on the coding strand, the complement: SCN9A is on the minus strand). VCF-style: chr2-166199502-G-A. GRCh37 (hg19) VCF-style: chr2-167056012-G-A.
Other names: c.5104C>T, p.Pro1702Ser (NM_002977.4); short protein forms P1702S, P1713S.
Identifiers: ClinVar variation 3756214 (VCV003756214.2).

ClinVar aggregate classification (germline): Uncertain significance (1 of 4 stars; one submission).

Conditions:
Neuropathy, hereditary sensory and autonomic, type 2A (HSAN2A). Also called: MORVAN DISEASE; NEUROPATHY, CONGENITAL SENSORY; NEUROPATHY, HEREDITARY SENSORY RADICULAR, AUTOSOMAL RECESSIVE; NEUROPATHY, HEREDITARY SENSORY, TYPE IIA; NEUROPATHY, PROGRESSIVE SENSORY, OF CHILDREN; ACROOSTEOLYSIS, GIACCAI TYPE. Identifiers: Orphanet 970, MedGen C2752089, MONDO:0024309, OMIM 201300.
Generalized epilepsy with febrile seizures plus, type 7 (GEFSP7). Also called: GEFS+, TYPE 7. Identifiers: Orphanet 36387, MedGen C2751778, MONDO:0013470, OMIM 613863.

gnomAD v4.1: 4 of 1,614,180 alleles (0.00025%); highest among the groups gnomAD compares: Non-Finnish European, 0.00034%; no homozygotes.

Submission:

Labcorp Genetics (formerly Invitae), Labcorp
Classification: Uncertain significance for Neuropathy, hereditary sensory and autonomic, type 2A; Generalized epilepsy with febrile seizures plus, type 7. Last evaluated: 2024-05-06. Review status: criteria provided, single submitter. Criteria: Invitae Variant Classification Sherloc (09022015). Collection method: clinical testing. Allele origin: germline.
Comment: This sequence change replaces proline, which is neutral and non-polar, with serine, which is neutral and polar, at codon 1702 of the SCN9A protein (p.Pro1702Ser). This variant is not present in population databases (gnomAD no frequency). This variant has not been reported in the literature in individuals affected with SCN9A-related conditions. Advanced modeling of protein sequence and biophysical properties (such as structural, functional, and spatial information, amino acid conservation, physicochemical variation, residue mobility, and thermodynamic stability) performed at Invitae indicates that this missense variant is not expected to disrupt SCN9A protein function with a negative predictive value of 95%. In summary, the available evidence is currently insufficient to determine the role of this variant in disease. Therefore, it has been classified as a Variant of Uncertain Significance.